The following is an entry in ClinVar:

NM_001308093.3(GATA4):c.802G>T (p.Val268Leu)

Gene: GATA4 (GATA binding protein 4). Cytogenetic location: 8p23.1.
Variant type: single nucleotide variant.
Coding change: c.802G>T on transcript NM_001308093.3 (MANE Select); coding-DNA position 802, G replaced by T.
Protein change: p.Val268Leu; replaces valine 268 with leucine.
Molecular consequence: missense variant. On other transcripts: intron variant (1).
Genome position (GRCh38, 1-based): chr8:11,750,126, G>T. VCF-style: chr8-11750126-G-T. GRCh37 (hg19) VCF-style: chr8-11607635-G-T.
Other names: c.181G>T, p.Val61Leu (NM_001308094.2, NM_001374273.1); c.799G>T, p.Val267Leu (NM_002052.5); c.165+1041G>T (NM_001374274.1); short protein forms V267L, V268L, V61L.
Identifiers: ClinVar variation 3364142 (VCV003364142.1).

ClinVar aggregate classification (germline): Uncertain significance (1 of 4 stars; one submission).

Submission:

GeneDx
Classification: Uncertain significance. Last evaluated: 2023-11-13. Review status: criteria provided, single submitter. Criteria: GeneDx Variant Classification Process June 2021. Collection method: clinical testing. Allele origin: germline. Affected: yes.
Comment: Not observed at significant frequency in large population cohorts (gnomAD); In silico analysis supports that this missense variant does not alter protein structure/function; Has not been previously published as pathogenic or benign to our knowledge